The following is an entry in ClinVar:

ClinVar aggregate classification (germline): Pathogenic. Review status: criteria provided, multiple submitters, no conflicts (2 of 4 stars). 29 submissions from 28 submitters: Pathogenic (21). 8 of the submissions do not count toward it. Last evaluated 2026-01-26.

Conditions:
PAX2-Related Disorder. Also called: PAX2-related disorders. Identifiers: MedGen CN381309.
Focal segmental glomerulosclerosis 7 (FSGS7). Identifiers: Orphanet 656, MedGen C4014925, MONDO:0014451, OMIM 616002.
Renal coloboma syndrome (PAPRS). Also called: CONGENITAL ANOMALIES OF THE KIDNEY AND URINARY TRACT WITH OR WITHOUT OCULAR ABNORMALITIES; CAKUT WITH OR WITHOUT OCULAR ABNORMALITIES; OPTIC COLOBOMA, VESICOURETERAL REFLUX, AND RENAL ANOMALIES; OPTIC NERVE COLOBOMA WITH RENAL DISEASE; RENAL-COLOBOMA SYNDROME WITH MACULAR ABNORMALITIES; PAPILLORENAL SYNDROME. Identifiers: Orphanet 1475, MedGen C1852759, MONDO:0007352, OMIM 120330.
Congenital anomaly of kidney and urinary tract. Also called: Congenital anomalies of kidney and urinary tract; Congenital anomalies of the kidney and urinary tract. Identifiers: Orphanet 93545, MedGen C1968949, MeSH C566906, MONDO:0019719.
Glomerular sclerosis. Also called: Glomerulosclerosis. Identifiers: MedGen C0178664, MONDO:0000490, HP:0000096.
Steroid-resistant nephrotic syndrome. Identifiers: MedGen C0403397, MONDO:0044765, HP:0012588.
Focal segmental glomerulosclerosis (FSGS). Also called: Glomerulosclerosis, focal; Focal sclerosis with hyalinosis. Identifiers: MedGen C0017668, MONDO:0100313, HP:0000097. Disease mechanism: loss of function.

Submissions 1 to 16 of 29:

Labcorp Genetics (formerly Invitae), Labcorp
Classification: Pathogenic for Renal coloboma syndrome; Focal segmental glomerulosclerosis 7. Last evaluated: 2026-01-26. Review status: criteria provided, single submitter. Criteria: Invitae Variant Classification Sherloc (09022015). Collection method: clinical testing. Allele origin: germline.
Comment: This sequence change creates a premature translational stop signal (p.Val26Glyfs*28) in the PAX2 gene. It is expected to result in an absent or disrupted protein product. Loss-of-function variants in PAX2 are known to be pathogenic (PMID: 11461952, 24676634, 35444690). The frequency data for this variant in the population databases is considered unreliable, as metrics indicate poor data quality at this position in the gnomAD database. This premature translational stop signal has been observed in individuals with PAX2-related disorders (PMID: 24429398, 27226968). It has also been observed to segregate with disease in related individuals. ClinVar contains an entry for this variant (Variation ID: 156297). Algorithms developed to predict the effect of sequence changes on RNA splicing suggest that this variant may disrupt the consensus splice site. For these reasons, this variant has been classified as Pathogenic.

Gharavi Laboratory, Columbia University
Classification: Pathogenic for Papillorenal syndrome. Last evaluated: 2024-11-05. Review status: criteria provided, single submitter. Criteria: ACMG Guidelines, 2015. Collection method: case-control. Allele origin: germline. Affected: yes.

Dubai Health Genomic Medicine Center, Dubai Health
Classification: Pathogenic for Glomerulosclerosis. Last evaluated: 2024-10-04. Review status: criteria provided, single submitter. Criteria: ACMG Guidelines, 2015. Collection method: research. Allele origin: germline. Affected: yes.
Comment: PVS1,PS2,PP1,PM2

3billion
Classification: Pathogenic for Focal segmental glomerulosclerosis 7. Last evaluated: 2024-08-06. Review status: criteria provided, single submitter. Criteria: ACMG Guidelines, 2015. Collection method: clinical testing. Allele origin: germline. Affected: yes.
Comment: The variant is observed at an extremely low frequency in the gnomAD v4.0.0 dataset (total allele frequency: <0.001%). Predicted Consequence/Location: Frameshift: predicted to result in a loss or disruption of normal protein function through nonsense-mediated decay (NMD) or protein truncation. Multiple pathogenic variants are reported downstream of the variant. The variant has been previously reported as assumed (i.e. paternity and maternity not confirmed) de novo in at least one similarly affected unrelated individual (3billion dataset). The variant has been reported at least twice as pathogenic with clinical assertions and evidence for the classification (ClinVar ID: VCV000156297 /PMID: 8589702 /3billion dataset). Therefore, this variant is classified as Pathogenic according to the recommendation of ACMG/AMP guideline.

Institute of Medical Genetics and Applied Genomics, University Hospital Tübingen
Classification: Pathogenic for Focal segmental glomerulosclerosis 7. Last evaluated: 2024-08-05. Review status: criteria provided, single submitter. Criteria: ACMG Guidelines, 2015. Collection method: clinical testing. Allele origin: de novo. Inheritance: Autosomal dominant inheritance. Affected: yes.

Laboratoire Génétique Moléculaire, CHRU TOURS
Classification: Pathogenic for Renal coloboma syndrome. Last evaluated: 2024-06-04. Review status: criteria provided, single submitter. Criteria: ACMG Guidelines, 2015. Collection method: clinical testing. Allele origin: de novo. Affected: yes.
Comment: PVS1;PS2;PM2;PP4

Molecular Genetics, Royal Melbourne Hospital
Classification: Pathogenic for Focal segmental glomerulosclerosis 7. Last evaluated: 2024-03-01. Review status: criteria provided, single submitter. Criteria: ACMG Guidelines, 2015. Collection method: clinical testing. Allele origin: germline. Inheritance: Autosomal dominant inheritance. Affected: yes.
Comment: This sequence change in PAX2 is a frameshift variant predicted to cause a premature stop codon, p.(Val26Glyfs*28), in biologically relevant exon 2 of 11 leading to nonsense-mediated decay in a gene in which loss-of-function is an established disease mechanism. The highest population minor allele frequency in the population database gnomAD v4.0 is 0.0003% (3/1,110,572 alleles) in the European (non-Finnish) population. This variant has been reported in multiple unrelated individuals with a phenotype consistent with PAX2-related renal disorders and is commonly de novo (PMID: 32203253). It has been identified as a de novo occurrence with confirmed parental relationships in at least one individual and as a de novo occurrence with unconfirmed parental relationships in multiple individuals with PAX2-related renal disorders (PMID: 34696790; 32203253, SCV000693891.1, SCV002059196.1). The variant has been reported to segregate with renal disorders in at least four individuals from two unrelated families (PMID: 32203253, 34696790). Based on the classification scheme RMH Modified ACMG/AMP Guidelines v1.6.1, this variant is classified as PATHOGENIC. Following criteria are met: PVS1, PS2/PM6_VeryStrong, PP1

Equipe Genetique des Anomalies du Developpement, Université de Bourgogne
Classification: Pathogenic for Renal coloboma syndrome. Last evaluated: 2023-11-12. Review status: criteria provided, single submitter. Criteria: ACMG Guidelines, 2015. Collection method: clinical testing. Allele origin: unknown. Affected: yes.

Daryl Scott Lab, Baylor College of Medicine
Classification: Pathogenic for Renal coloboma syndrome. Last evaluated: 2023-11-10. Review status: criteria provided, single submitter. Criteria: ACMG Guidelines, 2015. Collection method: clinical testing. Allele origin: unknown. Affected: yes.

Institute of Human Genetics Munich, TUM University Hospital
Classification: Pathogenic for Focal segmental glomerulosclerosis 7. Last evaluated: 2023-09-14. Review status: criteria provided, single submitter. Criteria: Classification criteria August 2017. Collection method: clinical testing. Allele origin: germline. Inheritance: Autosomal dominant inheritance. Affected: yes. Observed: 1 variant allele.

Blueprint Genetics
Classification: Pathogenic for PAX2-related disorders. Last evaluated: 2022-12-14. Review status: criteria provided, single submitter. Criteria: ACMG Guidelines, 2015. Collection method: clinical testing. Allele origin: germline. Affected: yes. Observed: 5 variant alleles.

Fulgent Genetics
Classification: Pathogenic for Renal coloboma syndrome; Focal segmental glomerulosclerosis 7. Last evaluated: 2022-05-19. Review status: criteria provided, single submitter. Criteria: ACMG Guidelines, 2015. Collection method: clinical testing. Allele origin: unknown.

GeneDx
Classification: Pathogenic. Last evaluated: 2022-02-17. Review status: criteria provided, single submitter. Criteria: GeneDx Variant Classification Process June 2021. Collection method: clinical testing. Allele origin: germline. Affected: yes.
Comment: Frameshift variant predicted to result in protein truncation or nonsense mediated decay in a gene for which loss-of-function is a known mechanism of disease; Published functional studies demonstrate a damaging effect in a mouse model for the variant exhibiting defects of the kidney, optic nerve, and retinal layer (Favor et al., 1996); This variant is associated with the following publications: (PMID: 23800802, 26489027, 24429398, 23539225, 22350371, 17541647, 21380624, 15808183, 8589702, 27226968, 20075965, 32164334, 10533062, 32203253, 33945118, 34217267, 32359821, 32604935, 33781268, 30937553, 31001663, 23966757, 8943028)

Molecular Biology Laboratory, Fundació Puigvert
Classification: Pathogenic for Renal coloboma syndrome. Last evaluated: 2020-02-01. Review status: criteria provided, single submitter. Criteria: ACMG Guidelines, 2015. Collection method: research. Allele origin: de novo. Affected: yes. Study: KidneyPanel_2020.

Institute of Human Genetics Munich, TUM University Hospital
Classification: Pathogenic for Renal coloboma syndrome. Last evaluated: 2019-04-26. Review status: criteria provided, single submitter. Criteria: Classification criteria August 2017. Collection method: clinical testing. Allele origin: de novo, germline. Inheritance: Autosomal dominant inheritance. Affected: yes. Observed: 2 heterozygotes.

CeGaT Center for Human Genetics Tuebingen
Classification: Pathogenic. Last evaluated: 2018-11-01. Review status: criteria provided, single submitter. Criteria: CeGaT Center For Human Genetics Tuebingen Variant Classification Criteria Version 2. Collection method: clinical testing. Allele origin: germline. Affected: yes. Observed: 1 variant allele.

NM_000278.5(PAX2):c.76dup (p.Val26fs)

Gene: PAX2 (paired box 2; plus strand). Cytogenetic location: 10q24.31.
Variant type: Duplication.
Coding change: c.76dup on transcript NM_000278.5 (MANE Select); coding-DNA position 76, one base duplicated (G; older notation c.76dupG).
Protein change: p.Val26fs; shifts the reading frame from valine 26.
Molecular consequence: frameshift variant.
Genome position (GRCh38, 1-based): chr10:100,749,778, G duplicated; the last of 7 consecutive G bases (chr10:100,749,772-100,749,778); duplicating any one gives the same sequence. VCF-style (leftmost placement, unchanged base first): chr10-100749771-C-CG. GRCh37 (hg19) VCF-style: chr10-102509528-C-CG.
Other names: c.69_70insG (NM_000278.3, NM_000278.5); c.169dup, p.Val57fs (NM_001304569.2); c.76dup, p.Val26fs (NM_003987.5, NM_003988.5, NM_003989.5 and 1 more transcripts); c.76dup (NM_000278.3, NM_003990.3, NM_003990.4); c.76dupG (NM_003990.3, NM_000278.5); short protein forms V26fs, V57fs.
Identifiers: ClinVar variation 156297 (VCV000156297.83), dbSNP rs75462234, ClinGen allele CA233174.